The following is an entry in ClinVar:

ClinVar aggregate classification (germline): Uncertain significance (1 of 4 stars; one submission).

Conditions:
Congenital hypothalamic hamartoma syndrome. Also called: PALLISTER-HALL-LIKE SYNDROME. Identifiers: MedGen C5435677, MONDO:0009436, OMIM 241800.

Allele frequency attached by ClinVar (database versions not stated): ExAC 0.00003; gnomAD 0.00003; TOPMed 0.00004; gnomAD exomes 0.00005; ESP Exome Variant Server 0.00008.
gnomAD v4.1: 74 of 1,613,846 alleles (0.0046%); highest among the groups gnomAD compares: Non-Finnish European, 0.006%; no homozygotes.

Submission:

Clinical Genomics Laboratory, Washington University in St. Louis
Classification: Uncertain significance for Congenital hypothalamic hamartoma syndrome. Last evaluated: 2024-01-02. Review status: criteria provided, single submitter. Criteria: ACMG Guidelines, 2015. Collection method: clinical testing. Allele origin: germline.
Comment: The SMO c.979G>A (p.Ala327Thr) variant was identified at a near heterozygous allelic fraction of 48%, a frequency which may be consistent with it being of germline origin. Computational predictors indicate that the variant is damaging, evidence that correlates with impact to SMO function. This variant is only observed on 5/152,150 alleles in the general population (gnomAD v3.1.2), indicating it is not a common variant. Due to limited information, and based on ACMG/AMP guidelines for variant interpretation (Richards S et al., PMID: 25741868), the clinical significance of this variant is uncertain at this time.

NM_005631.5(SMO):c.979G>A (p.Ala327Thr)

Gene: SMO (smoothened, frizzled class receptor; plus strand). Cytogenetic location: 7q32.1.
Variant type: single nucleotide variant.
Coding change: c.979G>A on transcript NM_005631.5 (MANE Select); coding-DNA position 979, G replaced by A.
Protein change: p.Ala327Thr; replaces alanine 327 with threonine.
Molecular consequence: missense variant.
Genome position (GRCh38, 1-based): chr7:129,206,208, G>A. VCF-style: chr7-129206208-G-A. GRCh37 (hg19) VCF-style: chr7-128846049-G-A.
Other names: short protein forms A327T.
Identifiers: ClinVar variation 3237387 (VCV003237387.1), dbSNP rs371993481.